The following is an entry in ClinVar:

NM_025099.6(CTC1):c.1084G>C (p.Val362Leu)

Gene: CTC1 (CST telomere replication complex component 1; minus strand). Cytogenetic location: 17p13.1.
Variant type: single nucleotide variant.
Coding change: c.1084G>C on transcript NM_025099.6 (MANE Select); coding-DNA position 1084, G replaced by C.
Protein change: p.Val362Leu; replaces valine 362 with leucine.
Molecular consequence: missense variant. On other transcripts: non-coding transcript variant (1).
Genome position (GRCh38, 1-based): chr17:8,235,953, C>G on the plus strand (G>C on the coding strand, the complement: CTC1 is on the minus strand). VCF-style: chr17-8235953-C-G. GRCh37 (hg19) VCF-style: chr17-8139271-C-G.
Other names: c.1084G>C (NM_025099.5); c.1084G>C, p.Val362Leu (NM_001411067.1); short protein forms V362L.
Identifiers: ClinVar variation 2067866 (VCV002067866.2), dbSNP rs377705825, ClinGen allele CA8372463.

ClinVar aggregate classification (germline): Uncertain significance. Review status: criteria provided, multiple submitters, no conflicts (2 of 4 stars). 2 submissions from 2 submitters: Uncertain significance (2). Last evaluated 2025-07-16.

Conditions:
Inborn genetic diseases. Identifiers: MedGen C0950123, MeSH D030342.
Dyskeratosis congenita. Identifiers: Orphanet 1775, MedGen C0265965, MONDO:0015780.

Allele frequency attached by ClinVar (database versions not stated): gnomAD exomes 0.00001; TOPMed 0.00001; ExAC 0.00002; ESP Exome Variant Server 0.00008.
gnomAD v4.1: 10 of 1,605,818 alleles (0.00062%); highest among the groups gnomAD compares: Non-Finnish European, 0.00085%; no homozygotes.

Submissions (2):

Ambry Genetics
Classification: Uncertain significance for Inborn genetic diseases. Last evaluated: 2025-07-16. Review status: criteria provided, single submitter. Criteria: Ambry Variant Classification Scheme 2023. Collection method: clinical testing. Allele origin: germline.

Labcorp Genetics (formerly Invitae), Labcorp
Classification: Uncertain significance for Dyskeratosis congenita. Last evaluated: 2022-07-25. Review status: criteria provided, single submitter. Criteria: Invitae Variant Classification Sherloc (09022015). Collection method: clinical testing. Allele origin: germline.
Comment: This sequence change replaces valine, which is neutral and non-polar, with leucine, which is neutral and non-polar, at codon 362 of the CTC1 protein (p.Val362Leu). This variant is present in population databases (rs377705825, gnomAD 0.005%). This variant has not been reported in the literature in individuals affected with CTC1-related conditions. Algorithms developed to predict the effect of missense changes on protein structure and function are either unavailable or do not agree on the potential impact of this missense change (SIFT: "Tolerated"; PolyPhen-2: "Probably Damaging"; Align-GVGD: "Class C0"). In summary, the available evidence is currently insufficient to determine the role of this variant in disease. Therefore, it has been classified as a Variant of Uncertain Significance.